The following is an entry in ClinVar:

NM_006031.6(PCNT):c.4945C>T (p.Leu1649=)

Gene: PCNT (pericentrin; plus strand). Cytogenetic location: 21q22.3.
Variant type: single nucleotide variant.
Coding change: c.4945C>T on transcript NM_006031.6 (MANE Select); coding-DNA position 4945, C replaced by T.
Protein change: p.Leu1649=; no amino-acid change (leucine 1649 retained).
Molecular consequence: synonymous variant.
Genome position (GRCh38, 1-based): chr21:46,401,704, C>T. VCF-style: chr21-46401704-C-T. GRCh37 (hg19) VCF-style: chr21-47821618-C-T.
Other names: c.4591C>T, p.Leu1531= (NM_001315529.2); c.4945C>T (NM_006031.5).
Identifiers: ClinVar variation 2721970 (VCV002721970.4), dbSNP rs1400812100, ClinGen allele CA512744931.

ClinVar aggregate classification (germline): Likely benign. Review status: criteria provided, multiple submitters, no conflicts (2 of 4 stars). 2 submissions from 2 submitters: Likely benign (2). Last evaluated 2026-06-23.

Conditions:
PCNT-related disorder. Also called: PCNT-related condition.

gnomAD v4.1: 1 of 1,613,960 alleles (0.000062%); highest among the groups gnomAD compares: Admixed American, 0.0017%; no homozygotes.

Submissions (2):

PreventionGenetics, part of Exact Sciences
Classification: Likely benign for PCNT-related condition. Last evaluated: 2026-06-23. Review status: criteria provided, single submitter. Criteria: ACMG Guidelines, 2015. Collection method: clinical testing. Allele origin: germline.
Comment: This variant is classified as likely benign based on ACMG/AMP sequence variant interpretation guidelines (Richards et al. 2015 PMID: 25741868, with internal and published modifications).

Labcorp Genetics (formerly Invitae), Labcorp
Classification: Likely benign. Last evaluated: 2023-01-26. Review status: criteria provided, single submitter. Criteria: Invitae Variant Classification Sherloc (09022015). Collection method: clinical testing. Allele origin: germline.